The following is an entry in ClinVar:

ClinVar aggregate classification (germline): Uncertain significance (1 of 4 stars; one submission).

Allele frequency attached by ClinVar (database versions not stated): ExAC 0.00001; gnomAD 0.00001; gnomAD exomes 0.00001; TOPMed 0.00002.
gnomAD v4.1: 6 of 1,610,688 alleles (0.00037%); highest among the groups gnomAD compares: Admixed American, 0.0083%; no homozygotes.

Submission:

Labcorp Genetics (formerly Invitae), Labcorp
Classification: Uncertain significance. Last evaluated: 2024-04-16. Review status: criteria provided, single submitter. Criteria: Invitae Variant Classification Sherloc (09022015). Collection method: clinical testing. Allele origin: germline.
Comment: This sequence change replaces isoleucine, which is neutral and non-polar, with threonine, which is neutral and polar, at codon 153 of the GHR protein (p.Ile153Thr). This variant is present in population databases (rs745367760, gnomAD 0.009%). This missense change has been observed in individual(s) with Laron dwarfism (PMID: 9851797, 11013443). ClinVar contains an entry for this variant (Variation ID: 1400686). Advanced modeling of protein sequence and biophysical properties (such as structural, functional, and spatial information, amino acid conservation, physicochemical variation, residue mobility, and thermodynamic stability) performed at Invitae indicates that this missense variant is not expected to disrupt GHR protein function with a negative predictive value of 80%. Experimental studies have shown that this missense change affects GHR function (PMID: 11013443). In summary, the available evidence is currently insufficient to determine the role of this variant in disease. Therefore, it has been classified as a Variant of Uncertain Significance.

Literature cited by the submitters: PubMed 9851797; PubMed 11013443.

NM_000163.5(GHR):c.458T>C (p.Ile153Thr)

Gene: GHR (growth hormone receptor; plus strand). Cytogenetic location: 5p12.
Variant type: single nucleotide variant.
Coding change: c.458T>C on transcript NM_000163.5 (MANE Select); coding-DNA position 458, T replaced by C.
Protein change: p.Ile153Thr; replaces isoleucine 153 with threonine.
Molecular consequence: missense variant.
Genome position (GRCh38, 1-based): chr5:42,699,842, T>C. VCF-style: chr5-42699842-T-C. GRCh37 (hg19) VCF-style: chr5-42699944-T-C.
Other names: c.479T>C, p.Ile160Thr (NM_001242399.2); c.458T>C, p.Ile153Thr (NM_001242400.2, NM_001242401.4, NM_001242402.2 and 5 more transcripts); c.392T>C, p.Ile131Thr (NM_001242460.2); short protein forms I131T, I153T, I160T.
Identifiers: ClinVar variation 1400686 (VCV001400686.7), dbSNP rs745367760, ClinGen allele CA3254415.